The following is an entry in ClinVar:

NM_015021.3(ZNF292):c.352C>T (p.Pro118Ser)

Gene: ZNF292 (zinc finger protein 292; plus strand). Cytogenetic location: 6q14.3.
Variant type: single nucleotide variant.
Coding change: c.352C>T on transcript NM_015021.3 (MANE Select); coding-DNA position 352, C replaced by T.
Protein change: p.Pro118Ser; replaces proline 118 with serine.
Molecular consequence: missense variant. On other transcripts: 5 prime UTR variant (1).
Genome position (GRCh38, 1-based): chr6:87,216,327, C>T. VCF-style: chr6-87216327-C-T. GRCh37 (hg19) VCF-style: chr6-87926045-C-T.
Other names: c.-69C>T (NM_001351444.2); short protein forms P118S.
Identifiers: ClinVar variation 1691049 (VCV001691049.2), dbSNP rs2127803038, ClinGen allele CA364920340.

ClinVar aggregate classification (germline): Uncertain significance (1 of 4 stars; one submission).

Submission:

Laboratorio de Genetica e Diagnostico Molecular, Hospital Israelita Albert Einstein
Classification: Uncertain significance. Last evaluated: 2021-09-03. Review status: criteria provided, single submitter. Criteria: ACMG Guidelines, 2015. Collection method: clinical testing. Allele origin: germline. Affected: yes.
Comment: ACMG classification criteria: PM2, BP4